The following is an entry in ClinVar:

NM_015346.4(ZFYVE26):c.6112del (p.Arg2037_Leu2038insTer)

Gene: ZFYVE26 (zinc finger FYVE-type containing 26; minus strand). Cytogenetic location: 14q24.1.
Variant type: Deletion.
Coding change: c.6112del on transcript NM_015346.4 (MANE Select); coding-DNA position 6112, one base deleted (C; older notation c.6112delC).
Protein change: p.Arg2037_Leu2038insTer.
Molecular consequence: nonsense.
Genome position (GRCh38, 1-based): chr14:67,762,719, G deleted on the plus strand (C on the coding strand, the reverse complement: ZFYVE26 is on the minus strand). VCF-style (leftmost placement, unchanged base first): chr14-67762718-AG-A. GRCh37 (hg19) VCF-style: chr14-68229435-AG-A.
Identifiers: ClinVar variation 1365553 (VCV001365553.6), dbSNP rs2140194701, ClinGen allele CA2573150119.

ClinVar aggregate classification (germline): Pathogenic (1 of 4 stars; one submission).

Conditions:
Spastic paraplegia. Identifiers: MedGen C0037772, HP:0001258.

Submission:

Labcorp Genetics (formerly Invitae), Labcorp
Classification: Pathogenic for Spastic paraplegia. Last evaluated: 2021-07-05. Review status: criteria provided, single submitter. Criteria: Invitae Variant Classification Sherloc (09022015). Collection method: clinical testing. Allele origin: germline.
Comment: This sequence change creates a premature translational stop signal (p.Leu2038*) in the ZFYVE26 gene. It is expected to result in an absent or disrupted protein product. Loss-of-function variants in ZFYVE26 are known to be pathogenic (PMID: 18394578, 19805727). This variant is not present in population databases (ExAC no frequency). This variant has not been reported in the literature in individuals affected with ZFYVE26-related conditions. Algorithms developed to predict the effect of sequence changes on RNA splicing suggest that this variant may create or strengthen a splice site. For these reasons, this variant has been classified as Pathogenic.

Literature cited by the submitters: PubMed 18394578; PubMed 19805727.